The following is an entry in ClinVar:

NM_015450.3(POT1):c.1369+1_1369+5del

Gene: POT1 (protection of telomeres 1; minus strand). Cytogenetic location: 7q31.33.
Variant type: Deletion.
Coding change: c.1369+1_1369+5del on transcript NM_015450.3 (MANE Select); the canonical splice donor site of the intron after coding-DNA position 1369 through 5 bases into the intron after coding-DNA position 1369, 5 bases deleted (GTAAG; older notation c.1369+1_1369+5delGTAAG).
Molecular consequence: splice donor variant.
Genome position (GRCh38, 1-based): chr7:124,840,968-124,840,972, CTTAC deleted on the plus strand (GTAAG on the coding strand, the reverse complement: POT1 is on the minus strand); deleting any 5 consecutive bases within chr7:124,840,968-124,840,975 gives the same sequence; the c. name uses the placement nearest the transcript's 3' end. VCF-style (leftmost placement, unchanged base first): chr7-124840967-TCTTAC-T. GRCh37 (hg19) VCF-style: chr7-124481021-TCTTAC-T.
Other names: c.1369+1_1369+5delGTAAG (NM_015450.2); c.976+1_976+5del (NM_001042594.2).
Identifiers: ClinVar variation 843910 (VCV000843910.11), dbSNP rs750755822, ClinGen allele CA4465156.

ClinVar aggregate classification (germline): Conflicting classifications of pathogenicity. Review status: criteria provided, conflicting classifications (1 of 4 stars). 2 submissions from 2 submitters: Likely pathogenic (1); Uncertain significance (1). Last evaluated 2025-06-04.

Conditions:
Tumor predisposition syndrome 3 (TPDS3). Also called: Glioma susceptibility 9; LONG TELOMERE SYNDROME, POT1-RELATED; POT1 Tumor Predisposition; Melanoma, cutaneous malignant, susceptibility to, 10. Identifiers: Orphanet 618, MedGen C4014476, MONDO:0014368, OMIM 615848.
Hereditary cancer-predisposing syndrome. Also called: Tumor predisposition; Hereditary Cancer Syndrome; Hereditary neoplastic syndrome; Neoplastic Syndromes, Hereditary. Identifiers: Orphanet 140162, MedGen C0027672, MeSH D009386, MONDO:0015356.

Submissions (2):

Labcorp Genetics (formerly Invitae), Labcorp
Classification: Likely pathogenic for Tumor predisposition syndrome 3. Last evaluated: 2025-06-04. Review status: criteria provided, single submitter. Criteria: Invitae Variant Classification Sherloc (09022015). Collection method: clinical testing. Allele origin: germline.
Comment: This sequence change affects a splice site in intron 14 of the POT1 gene. It is expected to disrupt RNA splicing. Variants that disrupt the donor or acceptor splice site typically lead to a loss of protein function (PMID: 16199547), and loss-of-function variants in POT1 are known to be pathogenic (PMID: 32155570). This variant is present in population databases (rs750755822, gnomAD 0.003%). This variant has not been reported in the literature in individuals affected with POT1-related conditions. ClinVar contains an entry for this variant (Variation ID: 843910). Studies have shown that disruption of this splice site is associated with inconclusive levels of altered splicing (internal data). In summary, the currently available evidence indicates that the variant is pathogenic, but additional data are needed to prove that conclusively. Therefore, this variant has been classified as Likely Pathogenic.

Ambry Genetics
Classification: Uncertain significance for Hereditary cancer-predisposing syndrome. Last evaluated: 2024-10-05. Review status: criteria provided, single submitter. Criteria: Ambry Variant Classification Scheme 2023. Collection method: clinical testing. Allele origin: germline.
Comment: The c.1369+1_1369+5delGTAAG intronic variant begins 1 nucleotide after coding exon 10 in the POT1 gene. This variant results from a deletion of 5 nucleotides at positions c.1369+1 to c.1369+5. This nucleotide region is well conserved in available vertebrate species. In silico analysis predicts that this alteration will abolish the native splice donor site and may result in the creation or strengthening of a novel splice donor site. This novel donor site, if utilized, would result in an in-frame transcript with unknown functional impact; however, direct evidence is insufficient (Ambry internal data). Based on the available evidence, the clinical significance of this variant remains unclear.

Literature cited by the submitters: PubMed 16199547 (cited by Labcorp Genetics (formerly Invitae), Labcorp); PubMed 32155570 (cited by Labcorp Genetics (formerly Invitae), Labcorp).